The following is an entry in ClinVar:

NM_014314.4(RIGI):c.1277A>C (p.Tyr426Ser)

Gene: RIGI (RNA sensor RIG-I; minus strand). Cytogenetic location: 9p21.1.
Variant type: single nucleotide variant.
Coding change: c.1277A>C on transcript NM_014314.4 (MANE Select); coding-DNA position 1277, A replaced by C.
Protein change: p.Tyr426Ser; replaces tyrosine 426 with serine.
Molecular consequence: missense variant.
Genome position (GRCh38, 1-based): chr9:32,487,569, T>G on the plus strand (A>C on the coding strand, the complement: RIGI is on the minus strand). VCF-style: chr9-32487569-T-G. GRCh37 (hg19) VCF-style: chr9-32487567-T-G.
Other names: c.1271A>C, p.Tyr424Ser (NM_001385907.1); c.1277A>C, p.Tyr426Ser (NM_001385909.1); c.836A>C, p.Tyr279Ser (NM_001385910.1); c.668A>C, p.Tyr223Ser (NM_001385912.1); c.1262A>C, p.Tyr421Ser (NM_001385913.1); c.833A>C, p.Tyr278Ser (NM_001385914.1); short protein forms Y421S, Y426S, Y279S, Y223S, Y278S, Y424S.
Identifiers: ClinVar variation 2713029 (VCV002713029.3), dbSNP rs201032144, ClinGen allele CA373155887.
Genomic context (GRCh38, chr9:32,487,569, plus strand): 5'-AGATTGTGTTTGACTGTTGCTATCACTGACGCATCAAGAGAAGCACACAGCTTGCAGATA[T>G]AATCCAAGGCTTCATCTGTGTTTTTGGCATCCCCAACACCAACCGAGGCAGTCAGCCCAA-3'
Protein context (NP_055129.2, residues 416-436): DAKNTDEALD[Tyr426Ser]ICKLCASLDA

ClinVar aggregate classification (germline): Uncertain significance (1 of 4 stars; one submission).

gnomAD v4.1: 1 of 1,614,080 alleles (0.000062%); highest among the groups gnomAD compares: Non-Finnish European, 0.000085%; no homozygotes.

Submission:

Labcorp Genetics (formerly Invitae), Labcorp
Classification: Uncertain significance. Last evaluated: 2023-07-31. Review status: criteria provided, single submitter. Criteria: Invitae Variant Classification Sherloc (09022015). Collection method: clinical testing. Allele origin: germline.
Comment: In summary, the available evidence is currently insufficient to determine the role of this variant in disease. Therefore, it has been classified as a Variant of Uncertain Significance. This sequence change replaces tyrosine, which is neutral and polar, with serine, which is neutral and polar, at codon 426 of the DDX58 protein (p.Tyr426Ser). This variant is not present in population databases (gnomAD no frequency). This variant has not been reported in the literature in individuals affected with DDX58-related conditions. Advanced modeling of protein sequence and biophysical properties (such as structural, functional, and spatial information, amino acid conservation, physicochemical variation, residue mobility, and thermodynamic stability) performed at Invitae indicates that this missense variant is not expected to disrupt DDX58 protein function.